The following is an entry in ClinVar:

NM_001291088.2(WDR87):c.5772C>G (p.Asn1924Lys)

Gene: WDR87 (WD repeat domain 87; minus strand). Cytogenetic location: 19q13.13.
Variant type: single nucleotide variant.
Coding change: c.5772C>G on transcript NM_001291088.2 (MANE Select); coding-DNA position 5772, C replaced by G.
Protein change: p.Asn1924Lys; replaces asparagine 1924 with lysine.
Molecular consequence: missense variant.
Genome position (GRCh38, 1-based): chr19:37,887,899, G>C on the plus strand (C>G on the coding strand, the complement: WDR87 is on the minus strand). VCF-style: chr19-37887899-G-C. GRCh37 (hg19) VCF-style: chr19-38378539-G-C.
Other names: c.5655C>G, p.Asn1885Lys (NM_031951.5); short protein forms N1885K, N1924K.
Identifiers: ClinVar variation 677195 (VCV000677195.10), dbSNP rs10422056, ClinGen allele CA9408559.

ClinVar aggregate classification (germline): Benign. Review status: criteria provided, multiple submitters, no conflicts (2 of 4 stars). 3 submissions from 3 submitters: Benign (3). Last evaluated 2026-01-28.

Allele frequency attached by ClinVar (database versions not stated): 1000 Genomes Project 0.88159; gnomAD exomes 0.77819 and 0.81762; TOPMed 0.83572; gnomAD 0.82109 and 0.82453; ExAC 0.83088; 1000 Genomes Project 30x 0.88460.

Submissions (3):

Labcorp Genetics (formerly Invitae), Labcorp
Classification: Benign. Last evaluated: 2026-01-28. Review status: criteria provided, single submitter. Criteria: Invitae Variant Classification Sherloc (09022015). Collection method: clinical testing. Allele origin: germline.

GeneDx
Classification: Benign. Last evaluated: 2018-03-24. Review status: criteria provided, single submitter. Criteria: GeneDx Variant Classification (06012015). Collection method: clinical testing. Allele origin: germline. Affected: yes.
Comment: This variant is considered likely benign or benign based on one or more of the following criteria: it is a conservative change, it occurs at a poorly conserved position in the protein, it is predicted to be benign by multiple in silico algorithms, and/or has population frequency not consistent with disease.

Breakthrough Genomics
Classification: Benign. Review status: criteria provided, single submitter. Criteria: ACMG Guidelines, 2015. Collection method: not provided. Allele origin: germline. Inheritance: Unknown mechanism. Affected: yes.